The following is an entry in ClinVar:

ClinVar aggregate classification (germline): Pathogenic. Review status: criteria provided, multiple submitters, no conflicts (2 of 4 stars). 4 submissions from 4 submitters: Pathogenic (4). Last evaluated 2026-06-01.

Conditions:
Sotos syndrome (SOTOS). Also called: CHROMOSOME 5q35 DELETION SYNDROME; CEREBRAL GIGANTISM; Sotos' syndrome; Distinctive facial appearance, overgrowth in childhood, and learning disabilities or delayed development; SOTOS SYNDROME 1. Identifiers: Orphanet 821, MedGen C0175695, MONDO:0019349, OMIM 117550.
Acute myeloid leukemia (AML). Also called: Leukemia, acute myeloid, somatic; Leukemia, acute myelogenous, somatic; Acute myeloid leukemia, adult; AML adult; Acute non-lymphocytic leukemia; Acute granulocytic leukemia. Identifiers: Orphanet 519, MedGen C0023467, MeSH D015470, MONDO:0018874, OMIM 601626, HP:0004808. Disease mechanism: Constitutively activated FLT3.

Submissions (4):

CeGaT Center for Human Genetics Tuebingen
Classification: Pathogenic. Last evaluated: 2026-06-01. Review status: criteria provided, single submitter. Criteria: CeGaT Center For Human Genetics Tuebingen Variant Classification Criteria Version 2. Collection method: clinical testing. Allele origin: germline. Affected: yes. Observed: 1 variant allele.
Comment: NSD1: PVS1, PM2, PS2:Moderate, PS4:Moderate

Genome-Nilou Lab
Classification: Pathogenic for Sotos syndrome. Last evaluated: 2021-07-15. Review status: criteria provided, single submitter. Criteria: ACMG Guidelines, 2015. Collection method: clinical testing. Allele origin: germline. Affected: no.

Fulgent Genetics
Classification: Pathogenic for Sotos syndrome; Acute myeloid leukemia. Last evaluated: 2018-10-31. Review status: criteria provided, single submitter. Criteria: ACMG Guidelines, 2015. Collection method: clinical testing. Allele origin: unknown.

Genetic Services Laboratory, University of Chicago
Classification: Pathogenic for Sotos syndrome 1. Last evaluated: 2013-02-08. Review status: criteria provided, single submitter. Criteria: ACMG Guidelines, 2007. Collection method: clinical testing. Allele origin: germline. Inheritance: Autosomal dominant inheritance. Affected: yes.

NM_022455.5(NSD1):c.5965C>T (p.Gln1989Ter)

Gene: NSD1 (nuclear receptor binding SET domain protein 1; plus strand). Cytogenetic location: 5q35.3.
Variant type: single nucleotide variant.
Coding change: c.5965C>T on transcript NM_022455.5 (MANE Select); coding-DNA position 5965, C replaced by T.
Protein change: p.Gln1989Ter; replaces glutamine 1989 with a stop codon.
Molecular consequence: nonsense.
Genome position (GRCh38, 1-based): chr5:177,282,537, C>T. VCF-style: chr5-177282537-C-T. GRCh37 (hg19) VCF-style: chr5-176709538-C-T.
Other names: c.5092C>T, p.Gln1698Ter (NM_001365684.2, NM_001409308.1, NM_001409309.1 and 1 more transcripts); c.5965C>T, p.Gln1989Ter (NM_001409301.1, NM_001409302.1, NM_001409303.1); c.5545C>T, p.Gln1849Ter (NM_001409304.1); c.5212C>T, p.Gln1738Ter (NM_001409305.1); c.5203C>T, p.Gln1735Ter (NM_001409306.1, NM_001409307.1); short protein forms Q1989*, Q1720*, Q1849*, Q1738*, Q1698*, Q1735*.
Identifiers: ClinVar variation 159391 (VCV000159391.11), dbSNP rs587784170, ClinGen allele CA295012.
Genomic context (GRCh38, chr5:177,282,537, plus strand): 5'-AATGAGTATGTGGGTGAGCTTATAGATGAAGAAGAATGCAGAGCTCGAATTCGCTATGCT[C>T]AAGAACATGATATCACTAATTTCTATATGCTCACCCTAGACAAAGTAAGTAATGGGAAAT-3'